The following is an entry in ClinVar:

NM_000093.5(COL5A1):c.3566del (p.Gly1189fs)

Gene: COL5A1 (collagen type V alpha 1 chain; plus strand). Cytogenetic location: 9q34.3.
Variant type: Deletion.
Coding change: c.3566del on transcript NM_000093.5 (MANE Select); coding-DNA position 3566, one base deleted (G; older notation c.3566delG).
Protein change: p.Gly1189fs; shifts the reading frame from glycine 1189.
Molecular consequence: frameshift variant.
Genome position (GRCh38, 1-based): chr9:134,811,376, G deleted; the last of 2 consecutive G bases (chr9:134,811,375-134,811,376); deleting either gives the same sequence. VCF-style (leftmost placement, unchanged base first): chr9-134811374-CG-C. GRCh37 (hg19) VCF-style: chr9-137703220-CG-C.
Other names: c.3566del, p.Gly1189fs (NM_001278074.1); short protein forms G1189fs.
Identifiers: ClinVar variation 2696194 (VCV002696194.3), dbSNP rs2490818556, ClinGen allele CA2697558212.
Genomic context (GRCh38, chr9:134,811,374, plus strand): 5'-TATGTCTCTGTCTTGTTCCCCGCAGGGTCCTCCTGGGCCTACAGGTCCTCAAGGCCCCAT[CG>C]GACAGCCAGGCCCCTCTGTGAGTATCCATGGTCAATGACCTTCGAAAAGCCCCACGCCCC-3'

ClinVar aggregate classification (germline): Pathogenic (1 of 4 stars; one submission).

Conditions:
Ehlers-Danlos syndrome, classic type, 1 (EDSCL1). Also called: EHLERS-DANLOS SYNDROME, GRAVIS TYPE; EHLERS-DANLOS SYNDROME, SEVERE CLASSIC TYPE; Ehlers-Danlos syndrome, type 1; Ehlers-Danlos Syndrome, Classic Type, COL5A1-Related; EDS I. Identifiers: MedGen C0268335, MONDO:0019567, OMIM 130000.

Submission:

Labcorp Genetics (formerly Invitae), Labcorp
Classification: Pathogenic for Ehlers-Danlos syndrome, classic type, 1. Last evaluated: 2023-11-15. Review status: criteria provided, single submitter. Criteria: Invitae Variant Classification Sherloc (09022015). Collection method: clinical testing. Allele origin: germline.
Comment: This sequence change creates a premature translational stop signal (p.Gly1189Aspfs*87) in the COL5A1 gene. It is expected to result in an absent or disrupted protein product. Loss-of-function variants in COL5A1 are known to be pathogenic (PMID: 23587214). This variant is not present in population databases (gnomAD no frequency). This variant has not been reported in the literature in individuals affected with COL5A1-related conditions. For these reasons, this variant has been classified as Pathogenic.

Literature cited by the submitters: PubMed 23587214.